The following is an entry in ClinVar:

NM_032119.4(ADGRV1):c.12285+1G>T

Gene: ADGRV1 (adhesion G protein-coupled receptor V1; plus strand). Cytogenetic location: 5q14.3.
Variant type: single nucleotide variant.
Coding change: c.12285+1G>T on transcript NM_032119.4 (MANE Select); the canonical splice donor site of the intron after coding-DNA position 12285, G replaced by T.
Molecular consequence: splice donor variant.
Genome position (GRCh38, 1-based): chr5:90,763,470, G>T. VCF-style: chr5-90763470-G-T. GRCh37 (hg19) VCF-style: chr5-90059287-G-T.
Identifiers: ClinVar variation 2086572 (VCV002086572.4), dbSNP rs765705070, ClinGen allele CA360379230.

ClinVar aggregate classification (germline): Likely pathogenic (1 of 4 stars; one submission).

Submission:

Labcorp Genetics (formerly Invitae), Labcorp
Classification: Likely pathogenic. Last evaluated: 2022-01-16. Review status: criteria provided, single submitter. Criteria: Invitae Variant Classification Sherloc (09022015). Collection method: clinical testing. Allele origin: germline.
Comment: In summary, the currently available evidence indicates that the variant is pathogenic, but additional data are needed to prove that conclusively. Therefore, this variant has been classified as Likely Pathogenic. Algorithms developed to predict the effect of sequence changes on RNA splicing suggest that this variant may disrupt the consensus splice site. This variant has not been reported in the literature in individuals affected with ADGRV1-related conditions. This variant is not present in population databases (gnomAD no frequency). This sequence change affects a donor splice site in intron 59 of the ADGRV1 gene. It is expected to disrupt RNA splicing. Variants that disrupt the donor or acceptor splice site typically lead to a loss of protein function (PMID: 16199547), and loss-of-function variants in ADGRV1 are known to be pathogenic (PMID: 19357117, 22135276, 22147658, 26226137, 26667666, 30029497, 32467589).

Literature cited by the submitters: PubMed 16199547; PubMed 19357117; PubMed 22135276; PubMed 22147658; PubMed 26226137; PubMed 26667666; PubMed 30029497; PubMed 32467589.